The following is an entry in ClinVar:

NM_004260.4(RECQL4):c.1652C>A (p.Ala551Asp)

Gene: RECQL4 (RecQ like helicase 4; minus strand). Cytogenetic location: 8q24.3.
Variant type: single nucleotide variant.
Coding change: c.1652C>A on transcript NM_004260.4 (MANE Select); coding-DNA position 1652, C replaced by A.
Protein change: p.Ala551Asp; replaces alanine 551 with aspartic acid.
Molecular consequence: missense variant.
Genome position (GRCh38, 1-based): chr8:144,514,494, G>T on the plus strand (C>A on the coding strand, the complement: RECQL4 is on the minus strand). VCF-style: chr8-144514494-G-T. GRCh37 (hg19) VCF-style: chr8-145739878-G-T.
Other names: short protein forms A551D.
Identifiers: ClinVar variation 1434192 (VCV001434192.6), dbSNP rs587778643, ClinGen allele CA4948724.

ClinVar aggregate classification (germline): Uncertain significance (1 of 4 stars; one submission).

Conditions:
Baller-Gerold syndrome (BGS). Also called: CRANIOSYNOSTOSIS WITH RADIAL DEFECTS. Identifiers: Orphanet 1225, MedGen C0265308, MONDO:0009039, OMIM 218600.

gnomAD v4.1: 3 of 1,612,170 alleles (0.00019%); highest among the groups gnomAD compares: Non-Finnish European, 0.00025%; no homozygotes.

Submission:

Labcorp Genetics (formerly Invitae), Labcorp
Classification: Uncertain significance for Baller-Gerold syndrome. Last evaluated: 2021-07-08. Review status: criteria provided, single submitter. Criteria: Invitae Variant Classification Sherloc (09022015). Collection method: clinical testing. Allele origin: germline.
Comment: In summary, the available evidence is currently insufficient to determine the role of this variant in disease. Therefore, it has been classified as a Variant of Uncertain Significance. Experimental studies and prediction algorithms are not available or were not evaluated, and the functional significance of this variant is currently unknown. This variant has not been reported in the literature in individuals affected with RECQL4-related conditions. This variant is present in population databases (rs587778643, ExAC 0.002%). This sequence change replaces alanine with aspartic acid at codon 551 of the RECQL4 protein (p.Ala551Asp). The alanine residue is highly conserved and there is a moderate physicochemical difference between alanine and aspartic acid.